The following is an entry in ClinVar:

NM_000069.3(CACNA1S):c.153-8G>A

Gene: CACNA1S (calcium voltage-gated channel subunit alpha1 S; minus strand). Cytogenetic location: 1q32.1.
Variant type: single nucleotide variant.
Coding change: c.153-8G>A on transcript NM_000069.3 (MANE Select); 8 bases into the intron before coding-DNA position 153, G replaced by A.
Molecular consequence: intron variant.
Genome position (GRCh38, 1-based): chr1:201,110,277, C>T on the plus strand (G>A on the coding strand, the complement: CACNA1S is on the minus strand). VCF-style: chr1-201110277-C-T. GRCh37 (hg19) VCF-style: chr1-201079405-C-T.
Identifiers: ClinVar variation 936710 (VCV000936710.1), dbSNP rs1663050022, ClinGen allele CA1139656504.

ClinVar aggregate classification (germline): Uncertain significance (1 of 4 stars; one submission).

Conditions:
Hypokalemic periodic paralysis, type 1. Also called: HypoPP; Hypokalemic Periodic Paralysis Type 1 (AD). Identifiers: Orphanet 681, MedGen C3714580, MONDO:0042979, OMIM 170400.
Malignant hyperthermia, susceptibility to, 5 (MHS5). Also called: CACNA1S-Related Malignant Hyperthermia Susceptibility. Identifiers: Orphanet 423, MedGen C1866077, MONDO:0011163, OMIM 601887.

Submission:

Labcorp Genetics (formerly Invitae), Labcorp
Classification: Uncertain significance for Hypokalemic periodic paralysis 1; Malignant hyperthermia, susceptibility to, 5. Last evaluated: 2019-09-25. Review status: criteria provided, single submitter. Criteria: Invitae Variant Classification Sherloc (09022015). Collection method: clinical testing. Allele origin: germline.
Comment: This sequence change falls in intron 1 of the CACNA1S gene. It does not directly change the encoded amino acid sequence of the CACNA1S protein. This variant is not present in population databases (ExAC no frequency). This variant has not been reported in the literature in individuals with CACNA1S-related conditions. Algorithms developed to predict the effect of sequence changes on RNA splicing suggest that this variant may disrupt the consensus splice site, but this prediction has not been confirmed by published transcriptional studies. In summary, the available evidence is currently insufficient to determine the role of this variant in disease. Therefore, it has been classified as a Variant of Uncertain Significance.